The following is an entry in ClinVar:

ClinVar aggregate classification (germline): Uncertain significance (1 of 4 stars; one submission).

Submission:

Labcorp Genetics (formerly Invitae), Labcorp
Classification: Uncertain significance. Last evaluated: 2025-12-21. Review status: criteria provided, single submitter. Criteria: Invitae Variant Classification Sherloc (09022015). Collection method: clinical testing. Allele origin: germline.
Comment: This sequence change replaces glutamine, which is neutral and polar, with arginine, which is basic and polar, at codon 805 of the RNF216 protein (p.Gln805Arg). This variant is not present in population databases (gnomAD no frequency). This variant has not been reported in the literature in individuals affected with RNF216-related conditions. An algorithm developed to predict the effect of missense changes on protein structure and function (PolyPhen-2) suggests that this variant is likely to be disruptive. In summary, the available evidence is currently insufficient to determine the role of this variant in disease. Therefore, it has been classified as a Variant of Uncertain Significance.

NM_207111.4(RNF216):c.2414A>G (p.Gln805Arg)

Gene: RNF216 (ring finger protein 216; minus strand). Cytogenetic location: 7p22.1.
Variant type: single nucleotide variant.
Coding change: c.2414A>G on transcript NM_207111.4 (MANE Select); coding-DNA position 2414, A replaced by G.
Protein change: p.Gln805Arg; replaces glutamine 805 with arginine.
Molecular consequence: missense variant.
Genome position (GRCh38, 1-based): chr7:5,624,094, T>C on the plus strand (A>G on the coding strand, the complement: RNF216 is on the minus strand). VCF-style: chr7-5624094-T-C. GRCh37 (hg19) VCF-style: chr7-5663725-T-C.
Other names: c.2243A>G, p.Gln748Arg (NM_001377156.1, NM_207116.3); short protein forms Q805R, Q748R.
Identifiers: ClinVar variation 4732774 (VCV004732774.1).
Genomic context (GRCh38, chr7:5,624,094, plus strand): 5'-GGGCCTGGGGAGGGGCACTTGCCTCCATTCTTTCTTTTCTGTTCCTCTTCAGCCTCCTTC[T>C]GGATTTCCTCAATAAGCTTCTCATCATCTTCCTAAAACGCAAGCAATGAGAAGGATGAAC-3'
Protein context (NP_996994.1, residues 795-815): EDDEKLIEEI[Gln805Arg]KEAEEEQKRK